The following is an entry in ClinVar:

ClinVar aggregate classification (germline): Uncertain significance (1 of 4 stars; one submission).

gnomAD v4.1: 60 of 1,612,576 alleles (0.0037%); highest among the groups gnomAD compares: East Asian, 0.13%; no homozygotes.

Submission:

Labcorp Genetics (formerly Invitae), Labcorp
Classification: Uncertain significance. Last evaluated: 2024-12-31. Review status: criteria provided, single submitter. Criteria: Invitae Variant Classification Sherloc (09022015). Collection method: clinical testing. Allele origin: germline.
Comment: This sequence change replaces leucine, which is neutral and non-polar, with valine, which is neutral and non-polar, at codon 157 of the THAP11 protein (p.Leu157Val). This variant is present in population databases (rs75778351, gnomAD 0.2%), and has an allele count higher than expected for a pathogenic variant. This variant has not been reported in the literature in individuals affected with THAP11-related conditions. Invitae Evidence Modeling of protein sequence and biophysical properties (such as structural, functional, and spatial information, amino acid conservation, physicochemical variation, residue mobility, and thermodynamic stability) indicates that this missense variant is not expected to disrupt THAP11 protein function with a negative predictive value of 80%. In summary, the available evidence is currently insufficient to determine the role of this variant in disease. Therefore, it has been classified as a Variant of Uncertain Significance.

NM_020457.3(THAP11):c.469C>G (p.Leu157Val)

Genes: CENPT (centromere protein T; minus strand), THAP11 (THAP domain containing 11; plus strand). Cytogenetic location: 16q22.1.
Variant type: single nucleotide variant.
Coding change: c.469C>G on transcript NM_020457.3 (MANE Select); coding-DNA position 469, C replaced by G.
Protein change: p.Leu157Val; replaces leucine 157 with valine.
Molecular consequence: missense variant. On other transcripts: intron variant (1).
Genome position (GRCh38, 1-based): chr16:67,843,023, C>G. VCF-style: chr16-67843023-C-G. GRCh37 (hg19) VCF-style: chr16-67876926-C-G.
Other names: c.-492+4378G>C (NM_025082.4); short protein forms L157V.
Identifiers: ClinVar variation 3710685 (VCV003710685.2).